The following is an entry in ClinVar:

NM_007294.4(BRCA1):c.1972del (p.Met658fs)

Gene: BRCA1 (BRCA1 DNA repair associated; minus strand). Cytogenetic location: 17q21.31.
Variant type: Deletion.
Coding change: c.1972del on transcript NM_007294.4 (MANE Select); coding-DNA position 1972, one base deleted (A; older notation c.1972delA).
Protein change: p.Met658fs; shifts the reading frame from methionine 658.
Molecular consequence: frameshift variant. On other transcripts: intron variant (137).
Genome position (GRCh38, 1-based): chr17:43,093,559, T deleted on the plus strand (A on the coding strand, the reverse complement: BRCA1 is on the minus strand); the first of 3 consecutive T bases (chr17:43,093,559-43,093,561); deleting any one gives the same sequence. VCF-style (leftmost placement, unchanged base first): chr17-43093558-AT-A. GRCh37 (hg19) VCF-style: chr17-41245575-AT-A.
Other names: 2091delA; c.1972delA (NM_007294.3); c.1759del, p.Met587fs (NM_001407571.1, NM_001407853.1, NM_001407894.1 and 9 more transcripts); c.1972del, p.Met658fs (NM_001407581.1, NM_001407582.1, NM_001407583.1 and 30 more transcripts); c.1969del, p.Met657fs (NM_001407587.1, NM_001407590.1, NM_001407591.1 and 22 more transcripts); c.1963del, p.Met655fs (NM_001407646.1, NM_001407647.1); c.1849del, p.Met617fs (NM_001407648.1, NM_001407664.1, NM_001407665.1 and 19 more transcripts); c.1846del, p.Met616fs (NM_001407649.1, NM_001407670.1, NM_001407671.1 and 11 more transcripts); and 42 more; short protein forms M658fs, M611fs, M490fs, M530fs, M547fs, M569fs, M587fs, M546fs.
Identifiers: ClinVar variation 37439 (VCV000037439.10), dbSNP rs397507195, ClinGen allele CA001317.

ClinVar aggregate classification (germline): Pathogenic. Review status: reviewed by expert panel (3 of 4 stars). 4 submissions from 4 submitters: Pathogenic (1). 3 of the submissions do not count toward it. Last evaluated 2016-09-08.

Conditions:
Hereditary breast ovarian cancer syndrome. Also called: Hereditary breast and ovarian cancer syndrome (HBOC); Hereditary breast and ovarian cancer syndrome; Hereditary breast and ovarian cancer; Hereditary breast and/or ovarian cancer syndrome; Breast and ovarian cancer; BRCA1- and BRCA2-Associated Hereditary Breast and Ovarian Cancer. Identifiers: Orphanet 145, MedGen C0677776, MeSH D061325, MONDO:0003582. Disease mechanism: loss of function.
Breast-ovarian cancer, familial, susceptibility to, 1 (BROVCA1). Also called: OVARIAN CANCER, SUSCEPTIBILITY TO; BRCA1 Hereditary Breast and Ovarian Cancer. Identifiers: Orphanet 145, MedGen C2676676, MONDO:0011450, OMIM 604370. Disease mechanism: loss of function.

Submissions (4):

Evidence-based Network for the Interpretation of Germline Mutant Alleles (ENIGMA)
Classification: Pathogenic for Breast-ovarian cancer, familial, susceptibility to, 1. Last evaluated: 2016-09-08. Review status: reviewed by expert panel. Criteria: ENIGMA BRCA1/2 Classification Criteria (2015). Collection method: curation. Allele origin: germline.
Comment: Variant allele predicted to encode a truncated non-functional protein.

Labcorp Genetics (formerly Invitae), Labcorp
Classification: Pathogenic for Hereditary breast ovarian cancer syndrome. Last evaluated: 2021-10-23. Review status: criteria provided, single submitter. Criteria: Invitae Variant Classification Sherloc (09022015). Collection method: clinical testing. Allele origin: germline. Not counted in ClinVar's aggregate classification.
Comment: For these reasons, this variant has been classified as Pathogenic. ClinVar contains an entry for this variant (Variation ID: 37439). This variant has not been reported in the literature in individuals affected with BRCA1-related conditions. This variant is not present in population databases (ExAC no frequency). This sequence change creates a premature translational stop signal (p.Met658Cysfs*43) in the BRCA1 gene. It is expected to result in an absent or disrupted protein product. Loss-of-function variants in BRCA1 are known to be pathogenic (PMID: 20104584).

Consortium of Investigators of Modifiers of BRCA1/2 (CIMBA), c/o University of Cambridge
Classification: Pathogenic for Breast-ovarian cancer, familial, susceptibility to, 1. Last evaluated: 2015-10-02. Review status: criteria provided, single submitter. Criteria: CIMBA Mutation Classification guidelines May 2016. Collection method: clinical testing. Allele origin: germline. Not counted in ClinVar's aggregate classification.

Sharing Clinical Reports Project (SCRP)
Classification: Pathogenic for Breast-ovarian cancer, familial 1. Last evaluated: 2007-09-06. Review status: no assertion criteria provided. Collection method: clinical testing. Allele origin: germline. Not counted in ClinVar's aggregate classification.

Literature cited by the submitters: PubMed 20104584 (cited by Labcorp Genetics (formerly Invitae), Labcorp).